The following is an entry in ClinVar:

ClinVar aggregate classification (germline): Uncertain significance (1 of 4 stars; one submission).

Submission:

Labcorp Genetics (formerly Invitae), Labcorp
Classification: Uncertain significance. Last evaluated: 2024-10-16. Review status: criteria provided, single submitter. Criteria: Invitae Variant Classification Sherloc (09022015). Collection method: clinical testing. Allele origin: germline.
Comment: This sequence change falls in intron 3 of the GNB3 gene. It does not directly change the encoded amino acid sequence of the GNB3 protein. It affects a nucleotide within the consensus splice site. This variant is not present in population databases (gnomAD no frequency). This variant has not been reported in the literature in individuals affected with GNB3-related conditions. ClinVar contains an entry for this variant (Variation ID: 959220). Variants that disrupt the consensus splice site are a relatively common cause of aberrant splicing (PMID: 17576681, 9536098). Algorithms developed to predict the effect of sequence changes on RNA splicing suggest that this variant is not likely to affect RNA splicing. In summary, the available evidence is currently insufficient to determine the role of this variant in disease. Therefore, it has been classified as a Variant of Uncertain Significance.

Literature cited by the submitters: PubMed 17576681; PubMed 9536098.

NM_002075.4(GNB3):c.96+5G>T

Gene: GNB3 (G protein subunit beta 3; plus strand). Cytogenetic location: 12p13.31.
Variant type: single nucleotide variant.
Coding change: c.96+5G>T on transcript NM_002075.4 (MANE Select); 5 bases into the intron after coding-DNA position 96, G replaced by T.
Molecular consequence: intron variant.
Genome position (GRCh38, 1-based): chr12:6,841,629, G>T. VCF-style: chr12-6841629-G-T. GRCh37 (hg19) VCF-style: chr12-6950793-G-T.
Other names: c.96+5G>T (NM_001297571.2).
Identifiers: ClinVar variation 959220 (VCV000959220.7), dbSNP rs782583806, ClinGen allele CA1139662494.